The following is an entry in ClinVar:

ClinVar aggregate classification (germline): Uncertain significance (1 of 4 stars; one submission).

gnomAD v4.1: 21 of 1,613,496 alleles (0.0013%); highest among the groups gnomAD compares: Non-Finnish European, 0.00076%; no homozygotes.

Submission:

GeneDx
Classification: Uncertain significance. Last evaluated: 2025-04-19. Review status: criteria provided, single submitter. Criteria: GeneDx Variant Classification Process June 2021. Collection method: clinical testing. Allele origin: germline. Affected: yes.
Comment: In silico analysis indicates that this missense variant does not alter protein structure/function; Has not been previously published as pathogenic or benign to our knowledge

NM_181783.4(TMTC3):c.353A>G (p.Lys118Arg)

Gene: TMTC3 (transmembrane O-mannosyltransferase targeting cadherins 3; plus strand). Cytogenetic location: 12q21.32.
Variant type: single nucleotide variant.
Coding change: c.353A>G on transcript NM_181783.4 (MANE Select); coding-DNA position 353, A replaced by G.
Protein change: p.Lys118Arg; replaces lysine 118 with arginine.
Molecular consequence: missense variant. On other transcripts: non-coding transcript variant (1), intron variant (2).
Genome position (GRCh38, 1-based): chr12:88,153,454, A>G. VCF-style: chr12-88153454-A-G. GRCh37 (hg19) VCF-style: chr12-88547231-A-G.
Other names: c.173A>G, p.Lys58Arg (NM_001366574.1); c.86A>G, p.Lys29Arg (NM_001366580.1); c.190-834A>G (NM_001366579.1); c.-285-834A>G (NM_001366583.1); short protein forms K118R, K29R, K58R.
Identifiers: ClinVar variation 4527190 (VCV004527190.1).